The following is an entry in ClinVar:

ClinVar aggregate classification (germline): Conflicting classifications of pathogenicity. Review status: criteria provided, conflicting classifications (1 of 4 stars). 3 submissions from 3 submitters: Uncertain significance (1); Benign (1); Likely benign (1). Last evaluated 2026-04-01.

Conditions:
Inborn genetic diseases. Identifiers: MedGen C0950123, MeSH D030342.

Allele frequency attached by ClinVar (database versions not stated): ExAC 0.00001; gnomAD exomes 0.00001 and 0.00004; gnomAD 0.00003; TOPMed 0.00003.
gnomAD v4.1: 66 of 1,614,070 alleles (0.0041%); highest among the groups gnomAD compares: Non-Finnish European, 0.0054%; no homozygotes.

Submissions (3):

CeGaT Center for Human Genetics Tuebingen
Classification: Likely benign. Last evaluated: 2026-04-01. Review status: criteria provided, single submitter. Criteria: CeGaT Center For Human Genetics Tuebingen Variant Classification Criteria Version 2. Collection method: clinical testing. Allele origin: germline. Affected: yes. Observed: 1 variant allele.
Comment: SETBP1: BP1, BP4

Labcorp Genetics (formerly Invitae), Labcorp
Classification: Benign. Last evaluated: 2025-09-15. Review status: criteria provided, single submitter. Criteria: Invitae Variant Classification Sherloc (09022015). Collection method: clinical testing. Allele origin: germline.

Ambry Genetics
Classification: Uncertain significance for Inborn genetic diseases. Last evaluated: 2025-08-26. Review status: criteria provided, single submitter. Criteria: Ambry Variant Classification Scheme 2023. Collection method: clinical testing. Allele origin: germline.

NM_015559.3(SETBP1):c.1133A>G (p.Gln378Arg)

Gene: SETBP1 (SET binding protein 1; plus strand). Cytogenetic location: 18q12.3.
Variant type: single nucleotide variant.
Coding change: c.1133A>G on transcript NM_015559.3 (MANE Select); coding-DNA position 1133, A replaced by G.
Protein change: p.Gln378Arg; replaces glutamine 378 with arginine.
Molecular consequence: missense variant.
Genome position (GRCh38, 1-based): chr18:44,950,473, A>G. VCF-style: chr18-44950473-A-G. GRCh37 (hg19) VCF-style: chr18-42530438-A-G.
Other names: c.1133A>G, p.Gln378Arg (NM_001379141.1, NM_001379142.1); c.1133A>G (NM_015559.2); short protein forms Q378R.
Identifiers: ClinVar variation 1554513 (VCV001554513.11), dbSNP rs765366351, ClinGen allele CA8945560.